The following is an entry in ClinVar:

NM_001371596.2(MFSD8):c.1415T>A (p.Ile472Asn)

Gene: MFSD8 (major facilitator superfamily domain containing 8; minus strand). Cytogenetic location: 4q28.2.
Variant type: single nucleotide variant.
Coding change: c.1415T>A on transcript NM_001371596.2 (MANE Select); coding-DNA position 1415, T replaced by A.
Protein change: p.Ile472Asn; replaces isoleucine 472 with asparagine.
Molecular consequence: missense variant.
Genome position (GRCh38, 1-based): chr4:127,920,772, A>T on the plus strand (T>A on the coding strand, the complement: MFSD8 is on the minus strand). VCF-style: chr4-127920772-A-T. GRCh37 (hg19) VCF-style: chr4-128841927-A-T.
Other names: c.1214T>A, p.Ile405Asn (NM_001363520.3); c.1100T>A, p.Ile367Asn (NM_001363521.3); c.1280T>A, p.Ile427Asn (NM_001371590.2); c.1424T>A, p.Ile475Asn (NM_001371591.2); c.1421T>A, p.Ile474Asn (NM_001371592.2); c.1301T>A, p.Ile434Asn (NM_001371593.2); c.1268T>A, p.Ile423Asn (NM_001371594.2); c.1133T>A, p.Ile378Asn (NM_001371595.1); and 3 more; short protein forms I367N, I378N, I405N, I474N, I472N, I475N, I322N, I423N.
Identifiers: ClinVar variation 1964311 (VCV001964311.5), dbSNP rs2546042701, ClinGen allele CA358170741.

ClinVar aggregate classification (germline): Uncertain significance (1 of 4 stars; one submission).

Conditions:
Neuronal ceroid lipofuscinosis 7 (CLN7). Also called: MFSD8-Related Neuronal Ceroid-Lipofuscinosis. Identifiers: Orphanet 168491, Orphanet 228366, MedGen C1838571, MONDO:0012588, OMIM 610951.

Submission:

Labcorp Genetics (formerly Invitae), Labcorp
Classification: Uncertain significance for Neuronal ceroid lipofuscinosis 7. Last evaluated: 2022-04-28. Review status: criteria provided, single submitter. Criteria: Invitae Variant Classification Sherloc (09022015). Collection method: clinical testing. Allele origin: germline.
Comment: This sequence change replaces isoleucine, which is neutral and non-polar, with asparagine, which is neutral and polar, at codon 472 of the MFSD8 protein (p.Ile472Asn). In summary, the available evidence is currently insufficient to determine the role of this variant in disease. Therefore, it has been classified as a Variant of Uncertain Significance. Algorithms developed to predict the effect of missense changes on protein structure and function (SIFT, PolyPhen-2, Align-GVGD) all suggest that this variant is likely to be disruptive. This variant has not been reported in the literature in individuals affected with MFSD8-related conditions. This variant is not present in population databases (gnomAD no frequency).